The following is an entry in ClinVar:

NM_001031689.3(PLAA):c.247G>A (p.Gly83Ser)

Gene: PLAA (phospholipase A2 activating protein; minus strand). Cytogenetic location: 9p21.2.
Variant type: single nucleotide variant.
Coding change: c.247G>A on transcript NM_001031689.3 (MANE Select); coding-DNA position 247, G replaced by A.
Protein change: p.Gly83Ser; replaces glycine 83 with serine.
Molecular consequence: missense variant.
Genome position (GRCh38, 1-based): chr9:26,935,109, C>T on the plus strand (G>A on the coding strand, the complement: PLAA is on the minus strand). VCF-style: chr9-26935109-C-T. GRCh37 (hg19) VCF-style: chr9-26935107-C-T.
Other names: c.247G>A, p.Gly83Ser (NM_001321546.2); c.247G>A (NM_001031689.2); short protein forms G83S.
Identifiers: ClinVar variation 2418372 (VCV002418372.4), dbSNP rs1825317093, ClinGen allele CA373111995.

ClinVar aggregate classification (germline): Uncertain significance. Review status: criteria provided, multiple submitters, no conflicts (2 of 4 stars). 2 submissions from 2 submitters: Uncertain significance (2). Last evaluated 2024-07-21.

Allele frequency attached by ClinVar (database versions not stated): TOPMed 0.00001.

Submissions (2):

GeneDx
Classification: Uncertain significance. Last evaluated: 2024-07-21. Review status: criteria provided, single submitter. Criteria: GeneDx Variant Classification Process June 2021. Collection method: clinical testing. Allele origin: germline. Affected: yes.
Comment: Not observed at significant frequency in large population cohorts (gnomAD); In silico analysis supports that this missense variant has a deleterious effect on protein structure/function; Has not been previously published as pathogenic or benign to our knowledge

Labcorp Genetics (formerly Invitae), Labcorp
Classification: Uncertain significance. Last evaluated: 2022-01-16. Review status: criteria provided, single submitter. Criteria: Invitae Variant Classification Sherloc (09022015). Collection method: clinical testing. Allele origin: germline.
Comment: This sequence change replaces glycine, which is neutral and non-polar, with serine, which is neutral and polar, at codon 83 of the PLAA protein (p.Gly83Ser). This variant is not present in population databases (gnomAD no frequency). This variant has not been reported in the literature in individuals affected with PLAA-related conditions. Algorithms developed to predict the effect of missense changes on protein structure and function are either unavailable or do not agree on the potential impact of this missense change (SIFT: "Deleterious"; PolyPhen-2: "Probably Damaging"; Align-GVGD: "Class C0"). Algorithms developed to predict the effect of sequence changes on RNA splicing suggest that this variant may create or strengthen a splice site. In summary, the available evidence is currently insufficient to determine the role of this variant in disease. Therefore, it has been classified as a Variant of Uncertain Significance.